The following is an entry in ClinVar:

NM_001267550.2(TTN):c.21404-6A>C

Genes: TTN (titin; minus strand), LOC126806428 (BRD4-independent group 4 enhancer GRCh37_chr2:179588362-179589561; plus strand). Cytogenetic location: 2q31.2.
Variant type: single nucleotide variant.
Coding change: c.21404-6A>C on transcript NM_001267550.2 (MANE Select); 6 bases into the intron before coding-DNA position 21404, A replaced by C.
Molecular consequence: intron variant.
Genome position (GRCh38, 1-based): chr2:178,723,702, T>G on the plus strand (A>C on the coding strand, the complement: TTN is on the minus strand). VCF-style: chr2-178723702-T-G. GRCh37 (hg19) VCF-style: chr2-179588429-T-G.
Other names: c.13282+14380A>C (NM_003319.4); c.13858+14380A>C (NM_133437.4); c.13657+14380A>C (NM_133432.3); c.17672-6A>C (NM_133378.4); c.20453-6A>C (NM_001256850.1).
Identifiers: ClinVar variation 1924622 (VCV001924622.6), dbSNP rs768501606, ClinGen allele CA2001024.
Genomic context (GRCh38, chr2:178,723,702, plus strand): 5'-TTTTTGCCTGGTAGTACTTCCAAAGGTTCAGGTTCTTTCACAAAAGAGGGTGGTTCTATA[T>G]AGACATGGAGAACAATTAAAAGATCCTGTAAGCTTCAGATGGAGTTGCAATTTTGAATAA-3'

ClinVar aggregate classification (germline): Likely benign. Review status: criteria provided, multiple submitters, no conflicts (2 of 4 stars). 2 submissions from 2 submitters: Likely benign (2). Last evaluated 2026-09-21.

Conditions:
Dilated cardiomyopathy 1G (CMD1G). Identifiers: Orphanet 154, MedGen C1858763, MONDO:0011400, OMIM 604145.
Autosomal recessive limb-girdle muscular dystrophy type 2J (LGMDR10). Also called: Limb-girdle muscular dystrophy, type 2J; MUSCULAR DYSTROPHY, LIMB-GIRDLE, AUTOSOMAL RECESSIVE 10. Identifiers: Orphanet 140922, MedGen C1837342, MONDO:0012127, OMIM 608807.

Allele frequency attached by ClinVar (database versions not stated): TOPMed 0.00003; gnomAD 0.00002.
gnomAD v4.1: 5 of 1,557,282 alleles (0.00032%); highest among the groups gnomAD compares: African/African-American, 0.0069%; no homozygotes.

Submissions (2):

Molecular Diagnostic Laboratory for Inherited Cardiovascular Disease, Montreal Heart Institute
Classification: Likely benign. Last evaluated: 2026-09-21. Review status: criteria provided, single submitter. Criteria: ACMG Guidelines, 2015. Collection method: clinical testing. Allele origin: germline. Affected: no.
Comment: BP4

Labcorp Genetics (formerly Invitae), Labcorp
Classification: Likely benign for Dilated cardiomyopathy 1G; Autosomal recessive limb-girdle muscular dystrophy type 2J. Last evaluated: 2024-10-16. Review status: criteria provided, single submitter. Criteria: Invitae Variant Classification Sherloc (09022015). Collection method: clinical testing. Allele origin: germline.